The following is an entry in ClinVar:

NM_000274.4(OAT):c.58T>A (p.Ser20Thr)

Gene: OAT (ornithine aminotransferase; minus strand). Cytogenetic location: 10q26.13.
Variant type: single nucleotide variant.
Coding change: c.58T>A on transcript NM_000274.4 (MANE Select); coding-DNA position 58, T replaced by A.
Protein change: p.Ser20Thr; replaces serine 20 with threonine.
Molecular consequence: missense variant. On other transcripts: intron variant (2).
Genome position (GRCh38, 1-based): chr10:124,412,114, A>T on the plus strand (T>A on the coding strand, the complement: OAT is on the minus strand). VCF-style: chr10-124412114-A-T. GRCh37 (hg19) VCF-style: chr10-126100683-A-T.
Other names: c.58T>A (NM_000274.3); c.58T>A, p.Ser20Thr (NM_001322965.2, NM_001322966.2, NM_001322967.2 and 4 more transcripts); c.-215-3149T>A (NM_001171814.2); c.-515-3149T>A (NM_001322974.2); short protein forms S20T.
Identifiers: ClinVar variation 1507150 (VCV001507150.10), dbSNP rs1046309017, ClinGen allele CA215257260.
Genomic context (GRCh38, chr10:124,412,114, plus strand): 5'-AGGTTGGAGGGCCTTGGACTGTTTTTTTAGTTGCAACAGATGTAGCAGAAGCCACTGAAG[A>T]ATGAACTCCGCGACTAAGTACAGCAAACCTCTGCAAATGTGCTAGTTTGGAAAACATTGT-3'
Protein context (NP_000265.1, residues 10-30): RFAVLSRGVH[Ser20Thr]SVASATSVAT

ClinVar aggregate classification (germline): Uncertain significance. Review status: criteria provided, single submitter (1 of 4 stars). 2 submissions from 2 submitters: Uncertain significance (1). 1 of the submissions does not count toward it. Last evaluated 2022-02-02.

Conditions:
Ornithine aminotransferase deficiency (GACR). Also called: Ornithine ketoacid aminotransferase deficiency; Gyrate atrophy; Gyrate atrophy of choroid and retina; Girate atrophy of the retina; OAT DEFICIENCY; OKT DEFICIENCY. Identifiers: Orphanet 414, MedGen C0018425, MONDO:0009796, OMIM 258870.

Allele frequency attached by ClinVar (database versions not stated): gnomAD exomes below 0.00001; gnomAD 0.00001; TOPMed 0.00002.
gnomAD v4.1: 2 of 1,614,064 alleles (0.00012%); highest among the groups gnomAD compares: African/African-American, 0.0027%; no homozygotes.

Submissions (2):

Labcorp Genetics (formerly Invitae), Labcorp
Classification: Uncertain significance for Ornithine aminotransferase deficiency. Last evaluated: 2022-02-02. Review status: criteria provided, single submitter. Criteria: Invitae Variant Classification Sherloc (09022015). Collection method: clinical testing. Allele origin: germline.
Comment: In summary, the available evidence is currently insufficient to determine the role of this variant in disease. Therefore, it has been classified as a Variant of Uncertain Significance. Algorithms developed to predict the effect of missense changes on protein structure and function output the following: SIFT: "Tolerated"; PolyPhen-2: "Benign"; Align-GVGD: "Class C0". The threonine amino acid residue is found in multiple mammalian species, which suggests that this missense change does not adversely affect protein function. This variant has not been reported in the literature in individuals affected with OAT-related conditions. This variant is not present in population databases (gnomAD no frequency). This sequence change replaces serine, which is neutral and polar, with threonine, which is neutral and polar, at codon 20 of the OAT protein (p.Ser20Thr).

Natera, Inc.
Classification: Uncertain significance for Gyrate atrophy. Last evaluated: 2025-01-01. Review status: no assertion criteria provided. Collection method: clinical testing. Allele origin: germline. Not counted in ClinVar's aggregate classification.